The following is an entry in ClinVar:

ClinVar aggregate classification (germline): Uncertain significance (1 of 4 stars; one submission).

Allele frequency attached by ClinVar (database versions not stated): gnomAD exomes 0.00001.
gnomAD v4.1: 5 of 1,613,520 alleles (0.00031%); highest among the groups gnomAD compares: Non-Finnish European, 0.00042%; no homozygotes.

Submission:

Labcorp Genetics (formerly Invitae), Labcorp
Classification: Uncertain significance. Last evaluated: 2022-08-01. Review status: criteria provided, single submitter. Criteria: Invitae Variant Classification Sherloc (09022015). Collection method: clinical testing. Allele origin: germline.
Comment: Algorithms developed to predict the effect of missense changes on protein structure and function are either unavailable or do not agree on the potential impact of this missense change (SIFT: "Tolerated"; PolyPhen-2: "Possibly Damaging"; Align-GVGD: "Class C0"). In summary, the available evidence is currently insufficient to determine the role of this variant in disease. Therefore, it has been classified as a Variant of Uncertain Significance. This variant has not been reported in the literature in individuals affected with DDX58-related conditions. This variant is not present in population databases (gnomAD no frequency). This sequence change replaces glutamic acid, which is acidic and polar, with lysine, which is basic and polar, at codon 218 of the DDX58 protein (p.Glu218Lys).

NM_014314.4(RIGI):c.652G>A (p.Glu218Lys)

Gene: RIGI (RNA sensor RIG-I; minus strand). Cytogenetic location: 9p21.1.
Variant type: single nucleotide variant.
Coding change: c.652G>A on transcript NM_014314.4 (MANE Select); coding-DNA position 652, G replaced by A.
Protein change: p.Glu218Lys; replaces glutamic acid 218 with lysine.
Molecular consequence: missense variant.
Genome position (GRCh38, 1-based): chr9:32,491,340, C>T on the plus strand (G>A on the coding strand, the complement: RIGI is on the minus strand). VCF-style: chr9-32491340-C-T. GRCh37 (hg19) VCF-style: chr9-32491338-C-T.
Other names: c.652G>A, p.Glu218Lys (NM_001385907.1, NM_001385909.1); c.211G>A, p.Glu71Lys (NM_001385910.1, NM_001385914.1); c.43G>A, p.Glu15Lys (NM_001385912.1); c.637G>A, p.Glu213Lys (NM_001385913.1); short protein forms E15K, E71K, E218K, E213K.
Identifiers: ClinVar variation 2133746 (VCV002133746.4), dbSNP rs2489336684, ClinGen allele CA373160893.